The following is an entry in ClinVar:

NM_002878.4(RAD51D):c.577-13C>A

Genes: RAD51L3-RFFL (RAD51L3-RFFL readthrough; minus strand), RAD51D (RAD51 paralog D; minus strand). Cytogenetic location: 17q12.
Variant type: single nucleotide variant.
Coding change: c.577-13C>A on transcript NM_002878.4 (MANE Select); 13 bases into the intron before coding-DNA position 577, C replaced by A.
Molecular consequence: intron variant.
Genome position (GRCh38, 1-based): chr17:35,103,557, G>T on the plus strand (C>A on the coding strand, the complement: RAD51D is on the minus strand). VCF-style: chr17-35103557-G-T. GRCh37 (hg19) VCF-style: chr17-33430576-G-T.
Other names: c.241-13C>A (NM_133629.3); c.637-13C>A (NM_001142571.2).
Identifiers: ClinVar variation 492432 (VCV000492432.14), dbSNP rs748697766, ClinGen allele CA8499406.
Genomic context (GRCh38, chr17:35,103,557, plus strand): 5'-GACCGAGTCCACAACCACCACCTTCACAGTTCCTGAAGAACCAGTCACCTGAAGGAATGT[G>T]GGGGAAGCACTCATGAACCTGTCAGCCTCTAGGACACATTACAGGACAAGCTTGCTTTTC-3'

ClinVar aggregate classification (germline): Likely benign. Review status: criteria provided, multiple submitters, no conflicts (2 of 4 stars). 3 submissions from 3 submitters: Likely benign (3). Last evaluated 2025-12-21.

Conditions:
Hereditary cancer-predisposing syndrome. Also called: Hereditary neoplastic syndrome; Tumor predisposition; Hereditary Cancer Syndrome; Neoplastic Syndromes, Hereditary. Identifiers: Orphanet 140162, MedGen C0027672, MeSH D009386, MONDO:0015356.
Breast-ovarian cancer, familial, susceptibility to, 4. Identifiers: Orphanet 145, MedGen C3280345, MONDO:0013669, OMIM 614291.

Allele frequency attached by ClinVar (database versions not stated): ExAC 0.00001; gnomAD 0.00001; TOPMed 0.00001; gnomAD exomes 0.00002.
gnomAD v4.1: 17 of 1,606,804 alleles (0.0011%); highest among the groups gnomAD compares: Non-Finnish European, 0.0014%; no homozygotes.

Submissions (3):

Labcorp Genetics (formerly Invitae), Labcorp
Classification: Likely benign for Breast-ovarian cancer, familial, susceptibility to, 4. Last evaluated: 2025-12-21. Review status: criteria provided, single submitter. Criteria: Invitae Variant Classification Sherloc (09022015). Collection method: clinical testing. Allele origin: germline.

GeneDx
Classification: Likely benign. Last evaluated: 2020-04-28. Review status: criteria provided, single submitter. Criteria: GeneDx Variant Classification Process June 2021. Collection method: clinical testing. Allele origin: germline. Affected: yes.
Comment: This variant is associated with the following publications: (PMID: 25980754)

Color Diagnostics, LLC DBA Color Health
Classification: Likely benign for Hereditary cancer-predisposing syndrome. Last evaluated: 2015-08-26. Review status: criteria provided, single submitter. Criteria: ACMG Guidelines, 2015. Collection method: clinical testing. Allele origin: germline.